The following is an entry in ClinVar:

NM_201384.3(PLEC):c.9464A>G (p.Asp3155Gly)

Gene: PLEC (plectin; minus strand). Cytogenetic location: 8q24.3.
Variant type: single nucleotide variant.
Coding change: c.9464A>G on transcript NM_201384.3 (MANE Select); coding-DNA position 9464, A replaced by G.
Protein change: p.Asp3155Gly; replaces aspartic acid 3155 with glycine.
Molecular consequence: missense variant.
Genome position (GRCh38, 1-based): chr8:143,920,357, T>C on the plus strand (A>G on the coding strand, the complement: PLEC is on the minus strand). VCF-style: chr8-143920357-T-C. GRCh37 (hg19) VCF-style: chr8-144994525-T-C.
Other names: c.9545A>G, p.Asp3182Gly (NM_000445.5); c.9422A>G, p.Asp3141Gly (NM_201378.4); c.9398A>G, p.Asp3133Gly (NM_201379.3); c.9875A>G, p.Asp3292Gly (NM_201380.4); c.9368A>G, p.Asp3123Gly (NM_201381.3); c.9464A>G, p.Asp3155Gly (NM_201382.4); c.9476A>G, p.Asp3159Gly (NM_201383.3); short protein forms D3123G, D3133G, D3141G, D3155G, D3159G, D3182G, D3292G.
Identifiers: ClinVar variation 1021152 (VCV001021152.9), dbSNP rs1822157624, ClinGen allele CA372509075.

ClinVar aggregate classification (germline): Uncertain significance (1 of 4 stars; one submission).

Conditions:
Epidermolysis bullosa simplex with nail dystrophy (EBS5D). Identifiers: MedGen C4225309, MONDO:0014661, OMIM 616487.
Epidermolysis bullosa simplex 5B, with muscular dystrophy (EBS5B). Also called: EPIDERMOLYSIS BULLOSA SIMPLEX AND LIMB-GIRDLE MUSCULAR DYSTROPHY; Epidermolysis bullosa simplex with muscular dystrophy. Identifiers: Orphanet 257, MedGen C2931072, MONDO:0009181, OMIM 226670.
Epidermolysis bullosa simplex, Ogna type (EBS5A). Also called: Pidermolysis bullosa simplex 5A, Ogna type; EPIDERMOLYSIS BULLOSA SIMPLEX 5A, OGNA TYPE. Identifiers: Orphanet 79401, MedGen C0432317, MONDO:0007555, OMIM 131950.
Epidermolysis bullosa simplex 5C, with pyloric atresia (EBS5C). Also called: PLEC-Related Epidermolysis Bullosa with Pyloric Atresia; Epidermolysis bullosa simplex with pyloric atresia; PLEC1-Related Epidermolysis Bullosa with Pyloric Atresia. Identifiers: Orphanet 158684, MedGen C2677349, MONDO:0012807, OMIM 612138.
Autosomal recessive limb-girdle muscular dystrophy type 2Q (LGMDR17). Also called: MUSCULAR DYSTROPHY, LIMB-GIRDLE, AUTOSOMAL RECESSIVE 17. Identifiers: Orphanet 254361, MedGen C3150989, MONDO:0013390, OMIM 613723.

Allele frequency attached by ClinVar (database versions not stated): gnomAD 0.00001; TOPMed 0.00001.

Submission:

Labcorp Genetics (formerly Invitae), Labcorp
Classification: Uncertain significance for Autosomal recessive limb-girdle muscular dystrophy type 2Q; Epidermolysis bullosa simplex, Ogna type; Epidermolysis bullosa simplex with nail dystrophy; Epidermolysis bullosa simplex 5C, with pyloric atresia; Epidermolysis bullosa simplex 5B, with muscular dystrophy. Last evaluated: 2020-07-13. Review status: criteria provided, single submitter. Criteria: Invitae Variant Classification Sherloc (09022015). Collection method: clinical testing. Allele origin: germline.
Comment: This variant has not been reported in the literature in individuals with PLEC-related conditions. Algorithms developed to predict the effect of missense changes on protein structure and function are either unavailable or do not agree on the potential impact of this missense change (SIFT: "Deleterious"; PolyPhen-2: "Probably Damaging"; Align-GVGD: "Class C15"). In summary, the available evidence is currently insufficient to determine the role of this variant in disease. Therefore, it has been classified as a Variant of Uncertain Significance. This sequence change replaces aspartic acid with glycine at codon 3182 of the PLEC protein (p.Asp3182Gly). The aspartic acid residue is highly conserved and there is a moderate physicochemical difference between aspartic acid and glycine. This variant is not present in population databases (ExAC no frequency).